The following is an entry in ClinVar:

ClinVar aggregate classification (germline): Uncertain significance (1 of 4 stars; one submission).

Conditions:
Glycogen storage disease type III (GSD3). Also called: FORBES DISEASE; Cori disease. Identifiers: Orphanet 366, MedGen C0017922, MONDO:0009291, OMIM 232400.

Submission:

Labcorp Genetics (formerly Invitae), Labcorp
Classification: Uncertain significance for Glycogen storage disease type III. Last evaluated: 2022-07-13. Review status: criteria provided, single submitter. Criteria: Invitae Variant Classification Sherloc (09022015). Collection method: clinical testing. Allele origin: germline.
Comment: This sequence change replaces glycine, which is neutral and non-polar, with arginine, which is basic and polar, at codon 1043 of the AGL protein (p.Gly1043Arg). This variant is not present in population databases (gnomAD no frequency). This variant has not been reported in the literature in individuals affected with AGL-related conditions. Algorithms developed to predict the effect of missense changes on protein structure and function are either unavailable or do not agree on the potential impact of this missense change (SIFT: "Tolerated"; PolyPhen-2: "Possibly Damaging"; Align-GVGD: "Class C0"). In summary, the available evidence is currently insufficient to determine the role of this variant in disease. Therefore, it has been classified as a Variant of Uncertain Significance.

NM_000642.3(AGL):c.3127G>C (p.Gly1043Arg)

Gene: AGL (amylo-alpha-1,6-glucosidase and 4-alpha-glucanotransferase; plus strand). Cytogenetic location: 1p21.2.
Variant type: single nucleotide variant.
Coding change: c.3127G>C on transcript NM_000642.3 (MANE Select); coding-DNA position 3127, G replaced by C.
Protein change: p.Gly1043Arg; replaces glycine 1043 with arginine.
Molecular consequence: missense variant.
Genome position (GRCh38, 1-based): chr1:99,892,475, G>C. VCF-style: chr1-99892475-G-C. GRCh37 (hg19) VCF-style: chr1-100358031-G-C.
Other names: c.3127G>C, p.Gly1043Arg (NM_000028.3, NM_000643.3, NM_000644.3 and 1 more transcripts); c.3079G>C, p.Gly1027Arg (NM_000646.3); c.3106G>C, p.Gly1036Arg (NM_001425326.1); c.2926G>C, p.Gly976Arg (NM_001425327.1); c.2923G>C, p.Gly975Arg (NM_001425328.1); c.2788G>C, p.Gly930Arg (NM_001425329.1); c.2749G>C, p.Gly917Arg (NM_001425332.1); short protein forms G1027R, G1043R, G1036R, G917R, G930R, G975R, G976R.
Identifiers: ClinVar variation 2016714 (VCV002016714.4), dbSNP rs1422201126, ClinGen allele CA341326659.